The following is an entry in ClinVar:

ClinVar aggregate classification (germline): Uncertain significance. Review status: criteria provided, multiple submitters, no conflicts (2 of 4 stars). 2 submissions from 2 submitters: Uncertain significance (2). Last evaluated 2023-01-05.

Conditions:
Propionic acidemia (PROP). Also called: GLYCINEMIA, KETOTIC; HYPERGLYCINEMIA WITH KETOACIDOSIS AND LEUKOPENIA; KETOTIC HYPERGLYCINEMIA. Identifiers: Orphanet 35, MedGen C0268579, MONDO:0011628, OMIM 606054, HP:0003571.

Allele frequency attached by ClinVar (database versions not stated): gnomAD 0.00001; TOPMed 0.00001; ExAC 0.00002; gnomAD exomes 0.00002; ESP Exome Variant Server 0.00015.
gnomAD v4.1: 22 of 1,606,314 alleles (0.0014%); highest among the groups gnomAD compares: Non-Finnish European, 0.0018%; no homozygotes.

Submissions (2):

Mayo Clinic Laboratories, Mayo Clinic
Classification: Uncertain significance. Last evaluated: 2023-01-05. Review status: criteria provided, single submitter. Criteria: ACMG Guidelines, 2015. Collection method: clinical testing. Allele origin: germline. Observed: 1 variant allele.
Comment: BP4_strong

Labcorp Genetics (formerly Invitae), Labcorp
Classification: Uncertain significance for Propionic acidemia. Last evaluated: 2022-04-20. Review status: criteria provided, single submitter. Criteria: Invitae Variant Classification Sherloc (09022015). Collection method: clinical testing. Allele origin: germline.
Comment: This sequence change replaces isoleucine, which is neutral and non-polar, with valine, which is neutral and non-polar, at codon 414 of the PCCA protein (p.Ile414Val). This variant is present in population databases (rs376094186, gnomAD 0.004%). This variant has not been reported in the literature in individuals affected with PCCA-related conditions. Advanced modeling of protein sequence and biophysical properties (such as structural, functional, and spatial information, amino acid conservation, physicochemical variation, residue mobility, and thermodynamic stability) performed at Invitae indicates that this missense variant is not expected to disrupt PCCA protein function. In summary, the available evidence is currently insufficient to determine the role of this variant in disease. Therefore, it has been classified as a Variant of Uncertain Significance.

NM_000282.4(PCCA):c.1240A>G (p.Ile414Val)

Gene: PCCA (propionyl-CoA carboxylase subunit alpha; plus strand). Cytogenetic location: 13q32.3.
Variant type: single nucleotide variant.
Coding change: c.1240A>G on transcript NM_000282.4 (MANE Select); coding-DNA position 1240, A replaced by G.
Protein change: p.Ile414Val; replaces isoleucine 414 with valine.
Molecular consequence: missense variant. On other transcripts: non-coding transcript variant (5).
Genome position (GRCh38, 1-based): chr13:100,302,954, A>G. VCF-style: chr13-100302954-A-G. GRCh37 (hg19) VCF-style: chr13-100955208-A-G.
Other names: p.Ile414Val; c.1162A>G, p.Ile388Val (NM_001127692.3, NM_001352607.2); c.1240A>G, p.Ile414Val (NM_001178004.2, NM_001352605.2, NM_001352609.2); c.1096A>G, p.Ile366Val (NM_001352606.2); c.1018A>G, p.Ile340Val (NM_001352608.2); c.295A>G, p.Ile99Val (NM_001352610.2, NM_001352611.2); c.151A>G, p.Ile51Val (NM_001352612.2); short protein forms I340V, I366V, I388V, I99V, I414V, I51V.
Identifiers: ClinVar variation 2164192 (VCV002164192.2), dbSNP rs376094186, ClinGen allele CA7033553.
Genomic context (GRCh38, chr13:100,302,954, plus strand): 5'-GACTGTGCTTCCTTTCCTTTGAACTTTCAGGACCCCTACAAGTCTTTTGGTTTACCATCT[A>G]TTGGGAGATTGTCTCAGTACCAAGAACCGTTACATCTACCTGGTGTAAGTCATTAAGCTG-3'
Protein context (NP_000273.2, residues 404-424): DPYKSFGLPS[Ile414Val]GRLSQYQEPL